The following is an entry in ClinVar:

ClinVar aggregate classification (germline): Conflicting classifications of pathogenicity. Review status: criteria provided, conflicting classifications (1 of 4 stars). 4 submissions from 4 submitters: Uncertain significance (1); Likely benign (1). 2 of the submissions do not count toward it. Last evaluated 2025-11-19.

Conditions:
Chondrosarcoma. Also called: Chondrosarcoma, somatic. Identifiers: Orphanet 55880, MedGen C0008479, MONDO:0008977, OMIM 215300, HP:0006765.
Exostoses, multiple, type 1 (EXT1). Also called: EXOSTOSES, MULTIPLE, TYPE I; Hereditary Multiple Osteochondromatosis, Type I. Identifiers: MedGen CN263289, MONDO:0007585, OMIM 133700.
Multiple congenital exostosis (EXT). Also called: Multiple exostoses; MULTIPLE CARTILAGINOUS EXOSTOSES; Hereditary multiple exostoses; Hereditary multiple exostosis; Multiple osteochondromas; Hereditary multiple osteochondromas. Identifiers: Orphanet 321, MedGen C0015306, MONDO:0005508, HP:0002762.

Allele frequency attached by ClinVar (database versions not stated): TOPMed 0.00007; gnomAD 0.00009; ExAC 0.00010; gnomAD exomes 0.00011 and 0.00016; 1000 Genomes Project 0.00020; 1000 Genomes Project 30x 0.00031.
gnomAD v4.1: 251 of 1,614,018 alleles (0.016%); highest among the groups gnomAD compares: South Asian, 0.034%; no homozygotes.

Submissions (4):

Labcorp Genetics (formerly Invitae), Labcorp
Classification: Likely benign for Multiple congenital exostosis. Last evaluated: 2025-11-19. Review status: criteria provided, single submitter. Criteria: Invitae Variant Classification Sherloc (09022015). Collection method: clinical testing. Allele origin: germline.

Fulgent Genetics
Classification: Uncertain significance for Exostoses, multiple, type 1; Chondrosarcoma. Last evaluated: 2024-02-05. Review status: criteria provided, single submitter. Criteria: ACMG Guidelines, 2015. Collection method: clinical testing. Allele origin: germline.

ITMI
No classification provided. Condition: AllHighlyPenetrant. Last evaluated: 2013-09-19. Review status: no classification provided. Collection method: reference population. Allele origin: germline. Not counted in ClinVar's aggregate classification.
Comment: Please see associated publication for description of ethnicities

Department of Pathology and Laboratory Medicine, Sinai Health System
Classification: Uncertain significance. Review status: no assertion criteria provided. Collection method: clinical testing. Allele origin: unknown. Affected: yes. Study: The Canadian Open Genetics Repository (COGR). Not counted in ClinVar's aggregate classification.
Comment: The EXT1 p.S41N variant was identified in an individual with multiple osteochondromas; however, this variant did not cosegregate with disease in 4 affected family members (Leube_2008_PMID: 18373409). The variant was not identified in COSMIC, but it was identified in dbSNP (ID: rs199862937) and ClinVar (classified as uncertain significance by Invitae). The variant was identified in control databases in 28 of 282452 chromosomes at a frequency of 0.00009913 (Genome Aggregation Database March 6, 2019, v2.1.1). The p.S41 residue is conserved in mammals and computational analyses (MUT Assesor, PolyPhen-2, SIFT, MutationTaster, Revel, FATHMM, MetaLR, DANN) provide inconsistent predictions regarding the impact to the protein; this information is not very predictive of pathogenicity. The variant occurs outside of the splicing consensus sequence and in silico or computational prediction software programs (Splice AI exome) do not predict a deleterious effect on splicing. In summary, based on the above information the clinical significance of this variant cannot be determined with certainty at this time. This variant is classified as a variant of uncertain significance.

Literature cited by the submitters: PubMed 24728327 (cited by ITMI).

NM_000127.3(EXT1):c.122G>A (p.Ser41Asn)

Gene: EXT1 (exostosin glycosyltransferase 1; minus strand). Cytogenetic location: 8q24.11.
Variant type: single nucleotide variant.
Coding change: c.122G>A on transcript NM_000127.3 (MANE Select); coding-DNA position 122, G replaced by A.
Protein change: p.Ser41Asn; replaces serine 41 with asparagine.
Molecular consequence: missense variant.
Genome position (GRCh38, 1-based): chr8:118,110,925, C>T on the plus strand (G>A on the coding strand, the complement: EXT1 is on the minus strand). VCF-style: chr8-118110925-C-T. GRCh37 (hg19) VCF-style: chr8-119123164-C-T.
Other names: short protein forms S41N.
Identifiers: ClinVar variation 134197 (VCV000134197.13), dbSNP rs199862937, ClinGen allele CA159089.